The following is an entry in ClinVar:

ClinVar aggregate classification (germline): Likely pathogenic (1 of 4 stars; one submission).

Conditions:
Peroxisome biogenesis disorder. Identifiers: Orphanet 79189, MedGen C1832200, MONDO:0019234. Disease mechanism: loss of function.

Submission:

Myriad Genetics, Inc.
Classification: Likely pathogenic for Peroxisome biogenesis disorder. Last evaluated: 2022-03-03. Review status: criteria provided, single submitter. Criteria: Myriad Autosomal Dominant, Autosomal Recessive and X-Linked Classification Criteria (2023). Collection method: clinical testing. Allele origin: unknown.
Comment: NM_000466.2(PEX1):c.3269_3270ins7(S1091Kfs*6) is expected to be pathogenic in the context of peroxisome biogenesis disorder type 1. This variant is predicted to lead to an abnormal or absent protein product due to the creation of a premature termination codon in PEX1, a gene where loss-of-function variants are known to be pathogenic. Please note: this variant was assessed in the context of healthy population screening.

NM_000466.3(PEX1):c.3269_3270insTAAAGGA (p.Ser1091fs)

Genes: GATAD1 (GATA zinc finger domain containing 1; plus strand), PEX1 (peroxisomal biogenesis factor 1; minus strand). Cytogenetic location: 7q21.2.
Variant type: Insertion.
Coding change: c.3269_3270insTAAAGGA on transcript NM_000466.3 (MANE Select); coding-DNA positions 3269 to 3270, TAAAGGA inserted.
Protein change: p.Ser1091fs; shifts the reading frame from serine 1091.
Molecular consequence: frameshift variant.
Genome position: GRCh38 VCF-style: chr7-92491440-G-GTCCTTTA. GRCh37 (hg19) VCF-style: chr7-92120754-G-GTCCTTTA.
Other names: c.3098_3099insTAAAGGA, p.Ser1034fs (NM_001282677.2); c.2645_2646insTAAAGGA, p.Ser883fs (NM_001282678.2); short protein forms S1034fs, S1091fs, S883fs.
Identifiers: ClinVar variation 1724960 (VCV001724960.3), dbSNP rs2484621589, ClinGen allele CA2580077510.